The following is an entry in ClinVar:

NM_181426.2(CCDC39):c.424G>A (p.Ala142Thr)

Gene: CCDC39 (coiled-coil domain 39 molecular ruler complex subunit; minus strand). Cytogenetic location: 3q26.33.
Variant type: single nucleotide variant.
Coding change: c.424G>A on transcript NM_181426.2 (MANE Select); coding-DNA position 424, G replaced by A.
Protein change: p.Ala142Thr; replaces alanine 142 with threonine.
Molecular consequence: missense variant.
Genome position (GRCh38, 1-based): chr3:180,660,662, C>T on the plus strand (G>A on the coding strand, the complement: CCDC39 is on the minus strand). VCF-style: chr3-180660662-C-T. GRCh37 (hg19) VCF-style: chr3-180378450-C-T.
Other names: short protein forms A142T.
Identifiers: ClinVar variation 639710 (VCV000639710.8), dbSNP rs754066480, ClinGen allele CA2716178.

ClinVar aggregate classification (germline): Uncertain significance. Review status: criteria provided, multiple submitters, no conflicts (2 of 4 stars). 2 submissions from 2 submitters: Uncertain significance (2). Last evaluated 2025-11-13.

Conditions:
Primary ciliary dyskinesia. Also called: Ciliary dyskinesia. Identifiers: Orphanet 244, MedGen C0008780, MONDO:0016575, HP:0012265.

Allele frequency attached by ClinVar (database versions not stated): gnomAD 0.00002; gnomAD exomes 0.00002; TOPMed 0.00004; ExAC 0.00005.
gnomAD v4.1: 16 of 1,603,108 alleles (0.001%); highest among the groups gnomAD compares: African/African-American, 0.008%; no homozygotes.

Submissions (2):

Labcorp Genetics (formerly Invitae), Labcorp
Classification: Uncertain significance for Primary ciliary dyskinesia. Last evaluated: 2025-11-13. Review status: criteria provided, single submitter. Criteria: Invitae Variant Classification Sherloc (09022015). Collection method: clinical testing. Allele origin: germline.
Comment: This sequence change replaces alanine, which is neutral and non-polar, with threonine, which is neutral and polar, at codon 142 of the CCDC39 protein (p.Ala142Thr). This variant is present in population databases (rs754066480, gnomAD 0.01%). This variant has not been reported in the literature in individuals affected with CCDC39-related conditions. ClinVar contains an entry for this variant (Variation ID: 639710). An algorithm developed to predict the effect of missense changes on protein structure and function (PolyPhen-2) suggests that this variant is likely to be tolerated. In summary, the available evidence is currently insufficient to determine the role of this variant in disease. Therefore, it has been classified as a Variant of Uncertain Significance.

Ambry Genetics
Classification: Uncertain significance for Primary ciliary dyskinesia. Last evaluated: 2025-05-20. Review status: criteria provided, single submitter. Criteria: Ambry Variant Classification Scheme 2023. Collection method: clinical testing. Allele origin: germline.